The following is an entry in ClinVar:

NM_020366.4(RPGRIP1):c.2480G>T (p.Arg827Leu)

Gene: RPGRIP1 (RPGR interacting protein 1; plus strand). Cytogenetic location: 14q11.2.
Variant type: single nucleotide variant.
Coding change: c.2480G>T on transcript NM_020366.4 (MANE Select); coding-DNA position 2480, G replaced by T.
Protein change: p.Arg827Leu; replaces arginine 827 with leucine.
Molecular consequence: missense variant. On other transcripts: intron variant (4).
Genome position (GRCh38, 1-based): chr14:21,325,943, G>T. VCF-style: chr14-21325943-G-T. GRCh37 (hg19) VCF-style: chr14-21794102-G-T.
Other names: NC_000014.8:g.21794102G>T; NP_065099.3:p.(Arg827Leu); c.1406G>T, p.Arg469Leu (NM_001377948.1); c.796+1218G>T (NM_001377949.1); c.689-1680G>T (NM_001377523.1, NM_001377950.1); c.191-1680G>T (NM_001377951.1); short protein forms R827L, R469L.
Identifiers: ClinVar variation 4986 (VCV000004986.5), dbSNP rs28937883, ClinGen allele CA227911.

ClinVar aggregate classification (germline): Likely pathogenic. Review status: criteria provided, single submitter (1 of 4 stars). 4 submissions from 4 submitters: Likely pathogenic (1). 3 of the submissions do not count toward it. Last evaluated 2024-05-27.

Conditions:
Retinal dystrophy. Also called: Inherited retinal dystrophy. Identifiers: Orphanet 71862, MedGen C0854723, MeSH D058499, MONDO:0019118, HP:0000556.
Cone-rod dystrophy 13 (CORD13). Identifiers: Orphanet 1872, MedGen C2750720, MONDO:0011987, OMIM 608194.

Submissions (4):

Ophthalmic Genetics Group, Institute of Molecular and Clinical Ophthalmology Basel
Classification: Likely pathogenic for Retinal dystrophy. Last evaluated: 2024-05-27. Review status: criteria provided, single submitter. Criteria: ACMG Guidelines, 2015. Collection method: research. Allele origin: germline. Affected: yes. Observed: 4 variant alleles.
Comment: This variant was classified as Likely pathogenic based on ACMG criteria: PM1_sup, PM2_sup, PM5_sup, PP3_mod and PP5_sup

OMIM
Classification: Pathogenic for CONE-ROD DYSTROPHY 13. Last evaluated: 2003-08-01. Review status: no assertion criteria provided. Collection method: literature only. Allele origin: germline. Not counted in ClinVar's aggregate classification.

GeneReviews
No classification provided. Condition: Cone-rod dystrophy 13. Review status: no classification provided. Collection method: literature only. Allele origin: unknown. Not counted in ClinVar's aggregate classification.

Retina International
No classification provided. Review status: no classification provided. Collection method: not provided. Allele origin: not provided. Not counted in ClinVar's aggregate classification.

Literature cited by the submitters: PubMed 20301475 (cited by Ophthalmic Genetics Group, Institute of Molecular and Clinical Ophthalmology Basel and GeneReviews); PubMed 12920076 (cited by Ophthalmic Genetics Group, Institute of Molecular and Clinical Ophthalmology Basel and OMIM); PubMed 40180963 (cited by Ophthalmic Genetics Group, Institute of Molecular and Clinical Ophthalmology Basel); NCBI Bookshelf NBK1298 (cited by GeneReviews).